The following is an entry in ClinVar:

NC_000016.10:g.(?_88646106)_(88647185_?)del

Gene: CYBA (cytochrome b-245 alpha chain; minus strand). Cytogenetic location: 16q24.3.
Variant type: Deletion.
Identifiers: ClinVar variation 831033 (VCV000831033.6).

ClinVar aggregate classification (germline): Pathogenic (1 of 4 stars; one submission).

Conditions:
Granulomatous disease, chronic, autosomal recessive, cytochrome b-negative. Also called: GRANULOMATOUS DISEASE, CHRONIC, AUTOSOMAL RECESSIVE, 4; Chronic granulomatous disease, autosomal, due to deficiency of CYBA; CGD DUE TO DEFICIENCY OF THE ALPHA SUBUNIT OF CYTOCHROME b; CGD, AUTOSOMAL RECESSIVE CYTOCHROME b-NEGATIVE; CYBA DEFICIENCY. Identifiers: Orphanet 379, MedGen C1856255, MONDO:0009308, OMIM 233690.

Submission:

Labcorp Genetics (formerly Invitae), Labcorp
Classification: Pathogenic for Granulomatous disease, chronic, autosomal recessive, cytochrome b-negative. Last evaluated: 2021-12-02. Review status: criteria provided, single submitter. Criteria: Invitae Variant Classification Sherloc (09022015). Collection method: clinical testing. Allele origin: germline.
Comment: This variant is a gross deletion of the genomic region encompassing exon(s) 3-5 of the CYBA gene. While this deletion is not anticipated to lead to nonsense mediated decay, it is expected to disrupt the C-terminus of the protein. A similar copy number variant has been observed in individual(s) with chronic granulomatous disease (PMID: 18422995). This variant disrupts a region of the CYBA protein in which other variant(s) (p.Arg90Trp) have been determined to be pathogenic (PMID: 10910929, 20167518; Invitae). This suggests that this is a clinically significant region of the protein, and that variants that disrupt it are likely to be disease-causing. For these reasons, this variant has been classified as Pathogenic.

Literature cited by the submitters: PubMed 18422995; PubMed 10910929; PubMed 20167518.